The following is an entry in ClinVar:

ClinVar aggregate classification (germline): Uncertain significance (1 of 4 stars; one submission).

gnomAD v4.1: 7 of 1,614,062 alleles (0.00043%); highest among the groups gnomAD compares: African/African-American, 0.0053%; no homozygotes.

Submission:

Labcorp Genetics (formerly Invitae), Labcorp
Classification: Uncertain significance. Last evaluated: 2025-04-10. Review status: criteria provided, single submitter. Criteria: Invitae Variant Classification Sherloc (09022015). Collection method: clinical testing. Allele origin: germline.
Comment: This sequence change replaces serine, which is neutral and polar, with cysteine, which is neutral and slightly polar, at codon 902 of the ITSN1 protein (p.Ser902Cys). This variant is present in population databases (no rsID available, gnomAD 0.01%). This variant has not been reported in the literature in individuals affected with ITSN1-related conditions. An algorithm developed to predict the effect of missense changes on protein structure and function (PolyPhen-2) suggests that this variant is likely to be disruptive. In summary, the available evidence is currently insufficient to determine the role of this variant in disease. Therefore, it has been classified as a Variant of Uncertain Significance.

NM_003024.3(ITSN1):c.2705C>G (p.Ser902Cys)

Gene: ITSN1 (intersectin 1; plus strand). Cytogenetic location: 21q22.11.
Variant type: single nucleotide variant.
Coding change: c.2705C>G on transcript NM_003024.3 (MANE Select); coding-DNA position 2705, C replaced by G.
Protein change: p.Ser902Cys; replaces serine 902 with cysteine.
Molecular consequence: missense variant.
Genome position (GRCh38, 1-based): chr21:33,814,050, C>G. VCF-style: chr21-33814050-C-G. GRCh37 (hg19) VCF-style: chr21-35186354-C-G.
Other names: c.2705C>G, p.Ser902Cys (NM_001001132.2, NM_001331008.2); c.2690C>G, p.Ser897Cys (NM_001331009.2, NM_001331010.2, NM_001331011.2); c.2579C>G, p.Ser860Cys (NM_001331012.2); short protein forms S902C, S860C, S897C.
Identifiers: ClinVar variation 4716930 (VCV004716930.1).